The following is an entry in ClinVar:

NM_024753.5(TTC21B):c.616G>A (p.Val206Met)

Genes: TTC21B (tetratricopeptide repeat domain 21B; minus strand), TTC21B-AS1 (TTC21B antisense RNA 1; plus strand). Cytogenetic location: 2q24.3.
Variant type: single nucleotide variant.
Coding change: c.616G>A on transcript NM_024753.5 (MANE Select); coding-DNA position 616, G replaced by A.
Protein change: p.Val206Met; replaces valine 206 with methionine.
Molecular consequence: missense variant.
Genome position (GRCh38, 1-based): chr2:165,941,121, C>T on the plus strand (G>A on the coding strand, the complement: TTC21B is on the minus strand). VCF-style: chr2-165941121-C-T. GRCh37 (hg19) VCF-style: chr2-166797631-C-T.
Other names: c.616G>A (NM_024753.3, NM_024753.4); short protein forms V206M.
Identifiers: ClinVar variation 1493741 (VCV001493741.7), dbSNP rs370956667, ClinGen allele CA1942384.

ClinVar aggregate classification (germline): Uncertain significance. Review status: criteria provided, multiple submitters, no conflicts (2 of 4 stars). 3 submissions from 3 submitters: Uncertain significance (3). Last evaluated 2026-08-07.

Conditions:
Nephronophthisis. Also called: Juvenile Nephronophthisis. Identifiers: Orphanet 655, MedGen C0687120, MONDO:0019005, HP:0000090.
Jeune thoracic dystrophy. Also called: Short-rib thoracic dysplasia; Jeune syndrome; Infantile thoracic dystrophy; Thoracic pelvic phalangeal dystrophy; Jeune's syndrome; Chondroectodermal dysplasia-like syndrome. Identifiers: Orphanet 474, MedGen C0265275, MONDO:0018770.
Inborn genetic diseases. Identifiers: MedGen C0950123, MeSH D030342.
TTC21B-related disorder. Also called: TTC21B-related condition; TTC21B-related disorders.

Allele frequency attached by ClinVar (database versions not stated): gnomAD exomes below 0.00001; ExAC 0.00002; gnomAD 0.00004; TOPMed 0.00004; ESP Exome Variant Server 0.00008.

Submissions (3):

PreventionGenetics, part of Exact Sciences
Classification: Uncertain significance for TTC21B-related condition. Last evaluated: 2026-08-07. Review status: criteria provided, single submitter. Criteria: ACMG Guidelines, 2015. Collection method: clinical testing. Allele origin: germline.
Comment: The TTC21B c.616G>A variant is predicted to result in the amino acid substitution p.Val206Met. To our knowledge, this variant has not been reported in the literature. This variant is reported in 0.0016% of alleles in individuals of European (Non-Finnish) descent in gnomAD. At this time, the clinical significance of this variant is uncertain due to the absence of conclusive functional and genetic evidence.

Labcorp Genetics (formerly Invitae), Labcorp
Classification: Uncertain significance for Jeune thoracic dystrophy; Nephronophthisis. Last evaluated: 2022-06-20. Review status: criteria provided, single submitter. Criteria: Invitae Variant Classification Sherloc (09022015). Collection method: clinical testing. Allele origin: germline.
Comment: This sequence change replaces valine, which is neutral and non-polar, with methionine, which is neutral and non-polar, at codon 206 of the TTC21B protein (p.Val206Met). The frequency data for this variant in the population databases is considered unreliable, as metrics indicate poor data quality at this position in the gnomAD database. This variant has not been reported in the literature in individuals affected with TTC21B-related conditions. Algorithms developed to predict the effect of missense changes on protein structure and function output the following: SIFT: "Deleterious"; PolyPhen-2: "Benign"; Align-GVGD: "Class C0". The methionine amino acid residue is found in multiple mammalian species, which suggests that this missense change does not adversely affect protein function. In summary, the available evidence is currently insufficient to determine the role of this variant in disease. Therefore, it has been classified as a Variant of Uncertain Significance.

Ambry Genetics
Classification: Uncertain significance for Inborn genetic diseases. Last evaluated: 2021-12-06. Review status: criteria provided, single submitter. Criteria: Ambry Variant Classification Scheme 2023. Collection method: clinical testing. Allele origin: germline.